The following is an entry in ClinVar:

ClinVar aggregate classification (germline): Uncertain significance (1 of 4 stars; one submission).

gnomAD v4.1: 1 of 1,614,168 alleles (0.000062%); highest among the groups gnomAD compares: East Asian, 0.0022%; no homozygotes.

Submission:

Labcorp Genetics (formerly Invitae), Labcorp
Classification: Uncertain significance. Last evaluated: 2025-07-29. Review status: criteria provided, single submitter. Criteria: Invitae Variant Classification Sherloc (09022015). Collection method: clinical testing. Allele origin: germline.
Comment: This sequence change replaces isoleucine, which is neutral and non-polar, with asparagine, which is neutral and polar, at codon 472 of the ABCB4 protein (p.Ile472Asn). This variant is not present in population databases (gnomAD no frequency). This variant has not been reported in the literature in individuals affected with ABCB4-related conditions. Invitae Evidence Modeling of protein sequence and biophysical properties (such as structural, functional, and spatial information, amino acid conservation, physicochemical variation, residue mobility, and thermodynamic stability) indicates that this missense variant is expected to disrupt ABCB4 protein function with a positive predictive value of 80%. In summary, the available evidence is currently insufficient to determine the role of this variant in disease. Therefore, it has been classified as a Variant of Uncertain Significance.

NM_000443.4(ABCB4):c.1415T>A (p.Ile472Asn)

Gene: ABCB4 (ATP binding cassette subfamily B member 4; minus strand). Cytogenetic location: 7q21.12.
Variant type: single nucleotide variant.
Coding change: c.1415T>A on transcript NM_000443.4 (MANE Select); coding-DNA position 1415, T replaced by A.
Protein change: p.Ile472Asn; replaces isoleucine 472 with asparagine.
Molecular consequence: missense variant.
Genome position (GRCh38, 1-based): chr7:87,440,344, A>T on the plus strand (T>A on the coding strand, the complement: ABCB4 is on the minus strand). VCF-style: chr7-87440344-A-T. GRCh37 (hg19) VCF-style: chr7-87069660-A-T.
Other names: c.1415T>A, p.Ile472Asn (NM_018849.3, NM_018850.3); short protein forms I472N.
Identifiers: ClinVar variation 4744660 (VCV004744660.1).